The following is an entry in ClinVar:

ClinVar aggregate classification (germline): Uncertain significance (1 of 4 stars; one submission).

Conditions:
Long QT syndrome (LQTS). Identifiers: MedGen C0023976, MeSH D008133, MONDO:0002442. Disease mechanism: loss of function. Inheritance: Various modes of inheritance.

Submission:

Labcorp Genetics (formerly Invitae), Labcorp
Classification: Uncertain significance for Long QT syndrome. Last evaluated: 2021-12-07. Review status: criteria provided, single submitter. Criteria: Invitae Variant Classification Sherloc (09022015). Collection method: clinical testing. Allele origin: germline.
Comment: This sequence change replaces tyrosine, which is neutral and polar, with histidine, which is basic and polar, at codon 1709 of the CACNA1C protein (p.Tyr1709His). This variant is not present in population databases (gnomAD no frequency). This variant has not been reported in the literature in individuals affected with CACNA1C-related conditions. Algorithms developed to predict the effect of missense changes on protein structure and function are either unavailable or do not agree on the potential impact of this missense change (SIFT: "Tolerated"; PolyPhen-2: "Possibly Damaging"; Align-GVGD: "Class C0"). In summary, the available evidence is currently insufficient to determine the role of this variant in disease. Therefore, it has been classified as a Variant of Uncertain Significance.

NM_000719.7(CACNA1C):c.5125T>C (p.Tyr1709His)

Genes: CACNA1C (calcium voltage-gated channel subunit alpha1 C; plus strand), CACNA1C-AS1 (CACNA1C antisense RNA 1; minus strand). Cytogenetic location: 12p13.33.
Variant type: single nucleotide variant.
Coding change: c.5125T>C on transcript NM_000719.7 (MANE Select); coding-DNA position 5125, T replaced by C.
Protein change: p.Tyr1709His; replaces tyrosine 1709 with histidine.
Molecular consequence: missense variant.
Genome position (GRCh38, 1-based): chr12:2,679,477, T>C. VCF-style: chr12-2679477-T-C. GRCh37 (hg19) VCF-style: chr12-2788643-T-C.
Other names: c.5269T>C, p.Tyr1757His (NM_001129827.2, NM_199460.4); c.5248T>C, p.Tyr1750His (NM_001129829.2); c.5125T>C, p.Tyr1709His (NM_001129830.3, NM_001129840.2, NM_001129841.2 and 4 more transcripts); c.5209T>C, p.Tyr1737His (NM_001129831.2); c.5185T>C, p.Tyr1729His (NM_001129832.2); c.5182T>C, p.Tyr1728His (NM_001129833.2, NM_001129834.2, NM_001129835.2); c.5176T>C, p.Tyr1726His (NM_001129836.2); c.5149T>C, p.Tyr1717His (NM_001129837.2, NM_001129838.2); and 3 more; short protein forms Y1698H, Y1728H, Y1729H, Y1706H, Y1715H, Y1757H, Y1726H, Y1737H.
Identifiers: ClinVar variation 1919127 (VCV001919127.5), dbSNP rs2532504804, ClinGen allele CA383378549.